The following is an entry in ClinVar:

ClinVar aggregate classification (germline): Uncertain significance (1 of 4 stars; one submission).

Conditions:
RAB5C-related disorder. Also called: RAB5C-related condition.

Submission:

3billion
Classification: Uncertain significance for RAB5C-related disorder. Last evaluated: 2026-01-26. Review status: criteria provided, single submitter. Criteria: ACMG Guidelines, 2015. Collection method: clinical testing. Allele origin: germline. Affected: yes.
Comment: The variant is not observed in the gnomAD v4.1.0 dataset. Predicted Consequence/Location: Frameshift: predicted to result in a loss or disruption of normal protein function through nonsense-mediated decay (NMD) or protein truncation. Multiple pathogenic variants are reported downstream of the variant. Therefore, this variant is classified as VUS according to the recommendation of ACMG/AMP guideline.

NM_004583.4(RAB5C):c.207del (p.Val70fs)

Gene: RAB5C (RAB5C, member RAS oncogene family; minus strand). Cytogenetic location: 17q21.2.
Variant type: Deletion.
Coding change: c.207del on transcript NM_004583.4 (MANE Select); coding-DNA position 207, one base deleted (A; older notation c.207delA).
Protein change: p.Val70fs; shifts the reading frame from valine 70.
Molecular consequence: frameshift variant.
Genome position (GRCh38, 1-based): chr17:42,128,760, T deleted on the plus strand (A on the coding strand, the reverse complement: RAB5C is on the minus strand). VCF-style (leftmost placement, unchanged base first): chr17-42128759-CT-C. GRCh37 (hg19) VCF-style: chr17-40280777-CT-C.
Other names: c.306del, p.Val103fs (NM_001252039.2); c.207del, p.Val70fs (NM_201434.3); short protein forms V103fs, V70fs.
Identifiers: ClinVar variation 4856223 (VCV004856223.1).